The following is an entry in ClinVar:

ClinVar aggregate classification (germline): Pathogenic (1 of 4 stars; one submission).

Conditions:
Developmental delay with variable intellectual impairment and behavioral abnormalities. Identifiers: MedGen C5193092, MONDO:0032745, OMIM 618430.

Submission:

Juno Genomics, Hangzhou Juno Genomics, Inc
Classification: Pathogenic for Developmental delay with variable intellectual impairment and behavioral abnormalities. Review status: criteria provided, single submitter. Criteria: ACMG Guidelines, 2015. Collection method: clinical testing. Allele origin: germline. Affected: yes.
Comment: Absent from controls (or at extremely low frequency if recessive) in Genome Aggregation Database, Exome Sequencing Project, 1000 Genomes Project, or Exome Aggregation Consortium.;Null variant in a gene where loss of function (LOF) is a known mechanism of disease.;Patient's phenotype or family history is highly specific for a disease with a single genetic etiology.

NM_001378418.1(TCF20):c.2331dup (p.Met778fs)

Gene: TCF20 (transcription factor 20; minus strand). Cytogenetic location: 22q13.2.
Variant type: Duplication.
Coding change: c.2331dup on transcript NM_001378418.1 (MANE Select); coding-DNA position 2331, one base duplicated (G; older notation c.2331dupG).
Protein change: p.Met778fs; shifts the reading frame from methionine 778.
Molecular consequence: frameshift variant.
Genome position (GRCh38, 1-based): chr22:42,212,975, C duplicated on the plus strand (G on the coding strand, the reverse complement: TCF20 is on the minus strand); the first of 4 consecutive C bases (chr22:42,212,975-42,212,978); duplicating any one gives the same sequence. VCF-style (leftmost placement, unchanged base first): chr22-42212974-T-TC. GRCh37 (hg19) VCF-style: chr22-42608980-T-TC.
Other names: c.2331dup, p.Met778fs (NM_005650.4, NM_181492.3); short protein forms M778fs.
Identifiers: ClinVar variation 4531257 (VCV004531257.1).